The following is an entry in ClinVar:

ClinVar aggregate classification (germline): Pathogenic (1 of 4 stars; one submission).

Conditions:
SCN2A-related neurodevelopmental disorder.

Submission:

Molecular Genetics Laboratory, Motol Hospital
Classification: Pathogenic for SCN2A-related neurodevelopmental disorder. Last evaluated: 2025-05-02. Review status: criteria provided, single submitter. Criteria: ACMG Guidelines, 2015. Collection method: clinical testing. Allele origin: de novo. Affected: yes. Observed: 1 variant allele.
Comment: Not present in gnomAD (v4.1.0), dbSNP or ClinVar (PM2). Rare variants affecting the canonical splice acceptor site of the SCN2A gene are documented as a molecular cause of a wide spectrum of neurodevelopmental disorders including autism spectrum disorders, with or without seizure manifestation (PMID:24650168;PMID:32264956;PMID:38651838;PMID:29691040;PMID:28256214) (PVS1).To conclude, the variant is classified as pathogenic (ACMG PVS1, PS2, PM2).

Literature cited by the submitters: PubMed 24650168; PubMed 32264956; PubMed 38651838; PubMed 29691040; PubMed 28256214.

NM_001040142.2(SCN2A):c.1177-1G>A

Gene: SCN2A (sodium voltage-gated channel alpha subunit 2; plus strand). Cytogenetic location: 2q24.3.
Variant type: single nucleotide variant.
Coding change: c.1177-1G>A on transcript NM_001040142.2 (MANE Select); the canonical splice acceptor site of the intron before coding-DNA position 1177, G replaced by A.
Molecular consequence: splice acceptor variant.
Genome position (GRCh38, 1-based): chr2:165,313,901, G>A. VCF-style: chr2-165313901-G-A. GRCh37 (hg19) VCF-style: chr2-166170411-G-A.
Other names: c.1177-1G>A (NM_001040143.2, NM_001371246.1, NM_001371247.1 and 1 more transcripts).
Identifiers: ClinVar variation 3895530 (VCV003895530.1).